The following is an entry in ClinVar:

ClinVar aggregate classification (germline): Uncertain significance. Review status: criteria provided, multiple submitters, no conflicts (2 of 4 stars). 2 submissions from 2 submitters: Uncertain significance (2). Last evaluated 2026-01-02.

Conditions:
Atypical hemolytic-uremic syndrome with C3 anomaly. Also called: AHUS, SUSCEPTIBILITY TO, 5. Identifiers: Orphanet 2134, MedGen C2752037, MONDO:0013043, OMIM 612925.
Age related macular degeneration 9. Identifiers: MedGen C1969651, MONDO:0012659, OMIM 611378.
Complement component 3 deficiency. Identifiers: Orphanet 280133, MedGen C3151071, MONDO:0013417, OMIM 613779.

Submissions (2):

Labcorp Genetics (formerly Invitae), Labcorp
Classification: Uncertain significance. Last evaluated: 2026-01-02. Review status: criteria provided, single submitter. Criteria: Invitae Variant Classification Sherloc (09022015). Collection method: clinical testing. Allele origin: germline.
Comment: This sequence change replaces alanine, which is neutral and non-polar, with valine, which is neutral and non-polar, at codon 1437 of the C3 protein (p.Ala1437Val). Information on the frequency of this variant in the gnomAD database is not available, as this variant may be reported differently in the database. This variant has not been reported in the literature in individuals affected with C3-related conditions. ClinVar contains an entry for this variant (Variation ID: 3584086). An algorithm developed to predict the effect of missense changes on protein structure and function (PolyPhen-2) suggests that this variant is likely to be tolerated. In summary, the available evidence is currently insufficient to determine the role of this variant in disease. Therefore, it has been classified as a Variant of Uncertain Significance.

Fulgent Genetics
Classification: Uncertain significance for Age related macular degeneration 9; Atypical hemolytic-uremic syndrome with C3 anomaly; Complement component 3 deficiency. Last evaluated: 2024-02-16. Review status: criteria provided, single submitter. Criteria: ACMG Guidelines, 2015. Collection method: clinical testing. Allele origin: germline.

NM_000064.4(C3):c.4310_4311delinsTT (p.Ala1437Val)

Gene: C3 (complement C3; minus strand). Cytogenetic location: 19p13.3.
Variant type: Indel.
Coding change: c.4310_4311delinsTT on transcript NM_000064.4 (MANE Select); coding-DNA positions 4310 to 4311, CC replaced by TT.
Protein change: p.Ala1437Val; replaces alanine 1437 with valine.
Molecular consequence: missense variant.
Genome position (GRCh38, 1-based): chr19:6,681,980-6,681,981, GG replaced by AA on the plus strand (CC replaced by TT on the coding strand, the reverse complement: C3 is on the minus strand). VCF-style: chr19-6681980-GG-AA. GRCh37 (hg19) VCF-style: chr19-6681991-GG-AA.
Other names: short protein forms A1437V.
Identifiers: ClinVar variation 3584086 (VCV003584086.2).
Genomic context (GRCh38, chr19:6,681,980, plus strand): 5'-GGGAGGATGATGCAGCCTTACCTTGTCCAGGTAGATGATGAGGGTGTTCCTATCGGAGAA[GG>AA]CTTTGTCCAGCTCATACTTGGAGATGTATCTGTCAACACCATTGGCCAGCTGGGGAAAGG-3'
Protein context (NP_000055.2, residues 1427-1447): RYISKYELDK[Ala1437Val]FSDRNTLIIY